The following is an entry in ClinVar:

NM_000089.4(COL1A2):c.529A>C (p.Lys177Gln)

Gene: COL1A2 (collagen type I alpha 2 chain; plus strand). Cytogenetic location: 7q21.3.
Variant type: single nucleotide variant.
Coding change: c.529A>C on transcript NM_000089.4 (MANE Select); coding-DNA position 529, A replaced by C.
Protein change: p.Lys177Gln; replaces lysine 177 with glutamine.
Molecular consequence: missense variant.
Genome position (GRCh38, 1-based): chr7:94,405,715, A>C. VCF-style: chr7-94405715-A-C. GRCh37 (hg19) VCF-style: chr7-94035027-A-C.
Other names: c.529A>C (NM_000089.3); short protein forms K177Q.
Identifiers: ClinVar variation 1438364 (VCV001438364.7), dbSNP rs1222909339, ClinGen allele CA368219964.

ClinVar aggregate classification (germline): Uncertain significance. Review status: criteria provided, multiple submitters, no conflicts (2 of 4 stars). 2 submissions from 2 submitters: Uncertain significance (2). Last evaluated 2026-02-15.

Conditions:
Cardiovascular phenotype. Identifiers: MedGen CN230736.
Ehlers-Danlos syndrome, classic type, 1 (EDSCL1). Also called: EHLERS-DANLOS SYNDROME, GRAVIS TYPE; EHLERS-DANLOS SYNDROME, SEVERE CLASSIC TYPE; Ehlers-Danlos syndrome, type 1; Ehlers-Danlos Syndrome, Classic Type, COL5A1-Related; EDS I. Identifiers: MedGen C0268335, MONDO:0019567, OMIM 130000.
Osteogenesis imperfecta type I (OI1). Also called: OI, TYPE I; OSTEOGENESIS IMPERFECTA TARDA; OSTEOGENESIS IMPERFECTA WITH BLUE SCLERAE; Osteogenesis imperfecta type 1; Lobstein's Disease; Lobstein disease. Identifiers: Orphanet 216796, Orphanet 666, MedGen C0023931, MONDO:0008146, OMIM 166200. Disease mechanism: loss of function.

Allele frequency attached by ClinVar (database versions not stated): TOPMed below 0.00001.

Submissions (2):

Ambry Genetics
Classification: Uncertain significance for Cardiovascular phenotype. Last evaluated: 2026-02-15. Review status: criteria provided, single submitter. Criteria: Ambry Variant Classification Scheme 2023. Collection method: clinical testing. Allele origin: germline.
Comment: The p.K177Q variant (also known as c.529A>C), located in coding exon 11 of the COL1A2 gene, results from an A to C substitution at nucleotide position 529. The lysine at codon 177 is replaced by glutamine, an amino acid with similar properties. This amino acid position is conserved. In addition, the in silico prediction for this alteration is inconclusive. Based on the available evidence, the clinical significance of this variant remains unclear.

Labcorp Genetics (formerly Invitae), Labcorp
Classification: Uncertain significance for Osteogenesis imperfecta type I; Ehlers-Danlos syndrome, classic type, 1. Last evaluated: 2024-11-25. Review status: criteria provided, single submitter. Criteria: Invitae Variant Classification Sherloc (09022015). Collection method: clinical testing. Allele origin: germline.
Comment: This sequence change replaces lysine, which is basic and polar, with glutamine, which is neutral and polar, at codon 177 of the COL1A2 protein (p.Lys177Gln). This variant is not present in population databases (gnomAD no frequency). This variant has not been reported in the literature in individuals affected with COL1A2-related conditions. ClinVar contains an entry for this variant (Variation ID: 1438364). Invitae Evidence Modeling of protein sequence and biophysical properties (such as structural, functional, and spatial information, amino acid conservation, physicochemical variation, residue mobility, and thermodynamic stability) has been performed for this missense variant. However, the output from this modeling did not meet the statistical confidence thresholds required to predict the impact of this variant on COL1A2 protein function. In summary, the available evidence is currently insufficient to determine the role of this variant in disease. Therefore, it has been classified as a Variant of Uncertain Significance.